The following is an entry in ClinVar:

ClinVar aggregate classification (germline): Pathogenic/Likely pathogenic. Review status: criteria provided, multiple submitters, no conflicts (2 of 4 stars). 4 submissions from 4 submitters: Pathogenic (1); Likely pathogenic (3). Last evaluated 2026-05-30.

Conditions:
Dihydropyrimidine dehydrogenase deficiency (DPYDD). Also called: DPD DEFICIENCY; DPYD DEFICIENCY; Hereditary Thymine-Uraciluria. Identifiers: Orphanet 1675, MedGen C1959620, MONDO:0010130, OMIM 274270.

gnomAD v4.1: 5 of 1,613,792 alleles (0.00031%); highest among the groups gnomAD compares: Admixed American, 0.0017%; no homozygotes.

Submissions (4):

GeneDx
Classification: Pathogenic. Last evaluated: 2026-05-30. Review status: criteria provided, single submitter. Criteria: GeneDx Variant Classification Process June 2021. Collection method: clinical testing. Allele origin: germline.
Comment: Canonical splice site variant predicted to result in an in-frame loss of the adjacent exon in a gene for which loss of function is a known mechanism of disease; Not observed at significant frequency in large population cohorts (gnomAD); Has not been previously published as pathogenic or benign to our knowledge; This variant is associated with the following publications: (PMID: 23328581, 8892022)

Baylor Genetics
Classification: Likely pathogenic for Dihydropyrimidine dehydrogenase deficiency. Last evaluated: 2023-11-22. Review status: criteria provided, single submitter. Criteria: ACMG Guidelines, 2015. Collection method: clinical testing. Allele origin: unknown.

Genome-Nilou Lab
Classification: Likely pathogenic for Dihydropyrimidine dehydrogenase deficiency. Last evaluated: 2023-04-11. Review status: criteria provided, single submitter. Criteria: ACMG Guidelines, 2015. Collection method: clinical testing. Allele origin: germline. Affected: no.

Women's Health and Genetics/Laboratory Corporation of America, LabCorp
Classification: Likely pathogenic for Dihydropyrimidine dehydrogenase deficiency. Last evaluated: 2023-01-06. Review status: criteria provided, single submitter. Criteria: LabCorp Variant Classification Summary - May 2015. Collection method: clinical testing. Allele origin: germline.
Comment: Variant summary: DPYD c.1905+1G>C is located in a canonical splice-site and is predicted to affect mRNA splicing resulting in a significantly altered protein due to either exon skipping, shortening, or inclusion of intronic material. Several computational tools predict a significant impact on normal splicing: Four predict the variant abolishes a canonical 5' splicing donor site. However, these predictions have yet to be confirmed by functional studies. The variant allele was found at a frequency of 8e-06 in 251260 control chromosomes (gnomAD). To our knowledge, no occurrence of c.1905+1G>C in individuals affected with Dihydropyrimidine Dehydrogenase Deficiency and no experimental evidence demonstrating its impact on protein function have been reported. No clinical diagnostic laboratories have submitted clinical-significance assessments for this variant to ClinVar after 2014. However, a different nucleotide substitution at this position (c.1905+1G>A, ClinVar: 432) is an established pathogenic variant. Based on the evidence outlined above, the variant was classified as likely pathogenic.

NM_000110.4(DPYD):c.1905+1G>C

Gene: DPYD (dihydropyrimidine dehydrogenase; minus strand). Cytogenetic location: 1p21.3.
Variant type: single nucleotide variant.
Coding change: c.1905+1G>C on transcript NM_000110.4 (MANE Select); the canonical splice donor site of the intron after coding-DNA position 1905, G replaced by C.
Molecular consequence: splice donor variant.
Genome position (GRCh38, 1-based): chr1:97,450,058, C>G on the plus strand (G>C on the coding strand, the complement: DPYD is on the minus strand). VCF-style: chr1-97450058-C-G. GRCh37 (hg19) VCF-style: chr1-97915614-C-G.
Identifiers: ClinVar variation 2429124 (VCV002429124.7), dbSNP rs3918290, ClinGen allele CA963213.